The following is an entry in ClinVar:

NM_001673.5(ASNS):c.1439C>T (p.Ser480Phe)

Genes: CZ1P-ASNS (CZ1P-ASNS readthrough; minus strand), ASNS (asparagine synthetase (glutamine-hydrolyzing); minus strand). Cytogenetic location: 7q21.3.
Variant type: single nucleotide variant.
Coding change: c.1439C>T on transcript NM_001673.5 (MANE Select); coding-DNA position 1439, C replaced by T.
Protein change: p.Ser480Phe; replaces serine 480 with phenylalanine.
Molecular consequence: missense variant. On other transcripts: non-coding transcript variant (1).
Genome position (GRCh38, 1-based): chr7:97,853,097, G>A on the plus strand (C>T on the coding strand, the complement: ASNS is on the minus strand). VCF-style: chr7-97853097-G-A. GRCh37 (hg19) VCF-style: chr7-97482409-G-A.
Other names: c.1439C>T, p.Ser480Phe (NM_133436.3, NM_001352496.2, NM_183356.4); c.1376C>T, p.Ser459Phe (NM_001178075.2); c.1190C>T, p.Ser397Phe (NM_001178076.2, NM_001178077.1); short protein forms S480F, S397F, S459F.
Identifiers: ClinVar variation 242550 (VCV000242550.17), dbSNP rs754043007, ClinGen allele CA055856.

ClinVar aggregate classification (germline): Conflicting classifications of pathogenicity. Review status: criteria provided, conflicting classifications (1 of 4 stars). 7 submissions from 7 submitters: Pathogenic (2); Likely pathogenic (2); Uncertain significance (2). 1 of the submissions does not count toward it. Last evaluated 2026-02-19.

Conditions:
Neurodevelopmental abnormality. Identifiers: MedGen C4022737, HP:0012759.
Congenital microcephaly - severe encephalopathy - progressive cerebral atrophy syndrome. Also called: ASNS DEFICIENCY; Asparagine synthetase deficiency. Identifiers: Orphanet 391376, MedGen C3809971, MONDO:0014258, OMIM 615574.

Allele frequency attached by ClinVar (database versions not stated): gnomAD 0.00001; TOPMed 0.00001; ExAC 0.00002; gnomAD exomes 0.00002.
gnomAD v4.1: 28 of 1,595,878 alleles (0.0018%); highest among the groups gnomAD compares: East Asian, 0.0022%; no homozygotes.

Submissions (7):

Myriad Genetics, Inc.
Classification: Uncertain significance for Congenital microcephaly - severe encephalopathy - progressive cerebral atrophy syndrome. Last evaluated: 2026-02-19. Review status: criteria provided, single submitter. Criteria: Myriad Autosomal Dominant, Autosomal Recessive and X-Linked Classification Criteria (2023). Collection method: clinical testing. Allele origin: unknown.
Comment: NM_001673.4(ASNS):c.1439C>T(S480F) is a missense variant classified as a variant of uncertain significance in the context of asparagine synthetase deficiency. S480F has been observed in cases with relevant disease (PMID: 26395554, 36613999, 39039281, Stackhouse_2024_(Abstract)). Relevant functional assessments of this variant are available in the literature (PMID: 36613999). S480F has been observed in referenced population frequency databases. In summary, there is insufficient evidence to classify NM_001673.4(ASNS):c.1439C>T(S480F) as pathogenic or benign. Please note: this variant was assessed in the context of healthy population screening.

Natera, Inc.
Classification: Likely pathogenic for Asparagine synthetase deficiency. Last evaluated: 2025-04-17. Review status: criteria provided, single submitter. Criteria: Natera Variant Classification Schema (03/2026). Collection method: clinical testing. Allele origin: germline.
Comment: The c.1439C>T variant in ASNS is a missense variant predicted to cause substitution of serine to phenylalanine at amino acid 480. This variant is rare in the general population with a frequency below the threshold expected for the associated phenotype(s). This variant has been observed in one or more individuals affected with the associated recessive disease, as either homozygous or compound heterozygous with a second variant (PMID: 27522229). This variant has been observed to segregate in affected family members (PMID: 27522229). Functional studies show that this variant may disrupt protein function (PMID: 36613999). Computational prediction algorithms indicate this variant is likely to affect gene or protein function. Given the available evidence, this variant is classified as Likely Pathogenic.

Labcorp Genetics (formerly Invitae), Labcorp
Classification: Pathogenic. Last evaluated: 2024-02-10. Review status: criteria provided, single submitter. Criteria: Invitae Variant Classification Sherloc (09022015). Collection method: clinical testing. Allele origin: germline.
Comment: This sequence change replaces serine, which is neutral and polar, with phenylalanine, which is neutral and non-polar, at codon 480 of the ASNS protein (p.Ser480Phe). This variant is present in population databases (rs754043007, gnomAD 0.01%). This missense change has been observed in individual(s) with ASNS-related conditions (PMID: 27522229). In at least one individual the data is consistent with being in trans (on the opposite chromosome) from a pathogenic variant. It has also been observed to segregate with disease in related individuals. ClinVar contains an entry for this variant (Variation ID: 242550). Advanced modeling of protein sequence and biophysical properties (such as structural, functional, and spatial information, amino acid conservation, physicochemical variation, residue mobility, and thermodynamic stability) performed at Invitae indicates that this missense variant is expected to disrupt ASNS protein function with a positive predictive value of 80%. For these reasons, this variant has been classified as Pathogenic.

Revvity Omics, Revvity
Classification: Uncertain significance for Congenital microcephaly - severe encephalopathy - progressive cerebral atrophy syndrome. Last evaluated: 2021-04-25. Review status: criteria provided, single submitter. Criteria: ACMG Guidelines, 2015. Collection method: clinical testing. Allele origin: germline.

Institute of Human Genetics, University of Leipzig Medical Center
Classification: Pathogenic for Congenital microcephaly - severe encephalopathy - progressive cerebral atrophy syndrome. Last evaluated: 2019-01-01. Review status: criteria provided, single submitter. Criteria: ACMG Guidelines, 2015. Collection method: clinical testing. Allele origin: unknown. Affected: yes.
Comment: This variant was identified as compound heterozygous.

GeneDx
Classification: Likely pathogenic. Last evaluated: 2017-03-16. Review status: criteria provided, single submitter. Criteria: GeneDx Variant Classification (06012015). Collection method: clinical testing. Allele origin: germline. Affected: yes.
Comment: The S480F variant in the ASNS gene has been reported previously in association with asparagine synthetase deficiency when in trans with another disease-causing variant (Zillhardt et al., 2016; Gataullina et al., 2016). The S480F variant is not observed at a significant frequency in large population cohorts (Lek et al., 2016; 1000 Genomes Consortium et al., 2015; Exome Variant Server). The S480F variant is a non-conservative amino acid substitution, which is likely to impact secondary protein structure as these residues differ in polarity, charge, size and/or other properties. In addition, this substitution occurs at a position that is conserved across species, and in silico analysis predicts this variant is probably damaging to the protein structure/function. The S480F variant is a strong candidate for a pathogenic variant, however the possibility it may be a rare benign variant cannot be excluded.

Department of Genetics, Rouen University Hospital, Normandy Center for Genomic and Personalized Medicine
Classification: Likely pathogenic for Neurodevelopmental abnormality. Last evaluated: 2020-04-03. Review status: no assertion criteria provided. Collection method: clinical testing. Allele origin: paternal. Affected: yes. Not counted in ClinVar's aggregate classification.

Literature cited by the submitters: PubMed 36613999 (cited by Myriad Genetics, Inc. and Natera, Inc.); PubMed 27522229 (cited by Natera, Inc. and Labcorp Genetics (formerly Invitae), Labcorp).